The following is an entry in ClinVar:

ClinVar aggregate classification (germline): Uncertain significance. Review status: criteria provided, multiple submitters, no conflicts (2 of 4 stars). 2 submissions from 2 submitters: Uncertain significance (2). Last evaluated 2023-04-03.

Conditions:
Hereditary cancer-predisposing syndrome. Also called: Hereditary Cancer Syndrome; Tumor predisposition; Hereditary neoplastic syndrome; Neoplastic Syndromes, Hereditary. Identifiers: Orphanet 140162, MedGen C0027672, MeSH D009386, MONDO:0015356.
Familial adenomatous polyposis 1 (FAP1). Also called: FAMILIAL ADENOMATOUS POLYPOSIS 1, ATTENUATED; POLYPOSIS, ADENOMATOUS INTESTINAL. Identifiers: MedGen C2713442, MONDO:0021056, OMIM 175100. Disease mechanism: loss of function.

Allele frequency attached by ClinVar (database versions not stated): TOPMed 0.00001.

Submissions (2):

Ambry Genetics
Classification: Uncertain significance for Hereditary cancer-predisposing syndrome. Last evaluated: 2023-04-03. Review status: criteria provided, single submitter. Criteria: Ambry Variant Classification Scheme 2023. Collection method: clinical testing. Allele origin: germline.
Comment: The p.V2561G variant (also known as c.7682T>G), located in coding exon 15 of the APC gene, results from a T to G substitution at nucleotide position 7682. The valine at codon 2561 is replaced by glycine, an amino acid with dissimilar properties. This amino acid position is conserved. In addition, in silico predictors for this gene do not accurately predict pathogenicity. Since supporting evidence is limited at this time, the clinical significance of this alteration remains unclear.

Labcorp Genetics (formerly Invitae), Labcorp
Classification: Uncertain significance for Familial adenomatous polyposis 1. Last evaluated: 2021-11-18. Review status: criteria provided, single submitter. Criteria: Invitae Variant Classification Sherloc (09022015). Collection method: clinical testing. Allele origin: germline.
Comment: In summary, the available evidence is currently insufficient to determine the role of this variant in disease. Therefore, it has been classified as a Variant of Uncertain Significance. Algorithms developed to predict the effect of missense changes on protein structure and function (SIFT, PolyPhen-2, Align-GVGD) all suggest that this variant is likely to be disruptive. This variant has not been reported in the literature in individuals affected with APC-related conditions. This variant is not present in population databases (gnomAD no frequency). This sequence change replaces valine, which is neutral and non-polar, with glycine, which is neutral and non-polar, at codon 2561 of the APC protein (p.Val2561Gly).

NM_000038.6(APC):c.7682T>G (p.Val2561Gly)

Gene: APC (APC regulator of Wnt signaling pathway; plus strand). Cytogenetic location: 5q22.2.
Variant type: single nucleotide variant.
Coding change: c.7682T>G on transcript NM_000038.6 (MANE Select); coding-DNA position 7682, T replaced by G.
Protein change: p.Val2561Gly; replaces valine 2561 with glycine.
Molecular consequence: missense variant.
Genome position (GRCh38, 1-based): chr5:112,843,276, T>G. VCF-style: chr5-112843276-T-G. GRCh37 (hg19) VCF-style: chr5-112178973-T-G.
Other names: c.7682T>G (NM_000038.5); c.7682T>G, p.Val2561Gly (NM_001127510.3, NM_001354895.2); c.7628T>G, p.Val2543Gly (NM_001127511.3); c.7736T>G, p.Val2579Gly (NM_001354896.2); c.7712T>G, p.Val2571Gly (NM_001354897.2); c.7607T>G, p.Val2536Gly (NM_001354898.2); c.7598T>G, p.Val2533Gly (NM_001354899.2); c.7559T>G, p.Val2520Gly (NM_001354900.2); and 6 more; short protein forms V2278G, V2502G, V2520G, V2543G, V2561G, V2571G, V2435G, V2470G.
Identifiers: ClinVar variation 1410428 (VCV001410428.8), dbSNP rs1219275944, ClinGen allele CA16038016.